The following is an entry in ClinVar:

ClinVar aggregate classification (germline): Likely pathogenic. Review status: reviewed by expert panel (3 of 4 stars). 3 submissions from 3 submitters: Likely pathogenic (1). 2 of the submissions do not count toward it. Last evaluated 2026-01-08.

Conditions:
Neuromuscular disease caused by qualitative or quantitative defects of dysferlin. Also called: Qualitative or quantitative defects of dysferlin; Dysferlinopathy. Identifiers: Orphanet 207073, MedGen C2931687, MONDO:0016145.
Autosomal recessive limb-girdle muscular dystrophy type 2B (LGMDR2). Also called: MUSCULAR DYSTROPHY, LIMB-GIRDLE, AUTOSOMAL RECESSIVE 2; MUSCULAR DYSTROPHY, LIMB-GIRDLE, TYPE 3; Limb-girdle muscular dystrophy, type 2B; Limb-Girdle Muscular Dystrophy Type 2B (LGMD2B). Identifiers: Orphanet 268, MedGen C1850889, MONDO:0009676, OMIM 253601.
Autosomal recessive limb-girdle muscular dystrophy. Identifiers: Orphanet 102015, MedGen C2931907, MONDO:0015152.

gnomAD v4.1: 1 of 1,613,708 alleles (0.000062%); highest among the groups gnomAD compares: South Asian, 0.0011%; no homozygotes.

Submissions (3):

ClinGen Limb Girdle Muscular Dystrophy Variant Curation Expert Panel, ClinGen
Classification: Likely pathogenic for Autosomal recessive limb-girdle muscular dystrophy. Last evaluated: 2026-01-08. Review status: reviewed by expert panel. Criteria: ClinGen LGMD VCEP ACMG Specifications DYSF V2.0.0. Collection method: curation. Allele origin: germline. Inheritance: Autosomal recessive inheritance.
Comment: The NM_003494.4: c.3174+1G>C variant in DYSF, which is also known as NM_001130987.2: c.3228+1G>C, occurs within the canonical splice donor site of intron 29. This variant is predicted to abolish the consensus splice donor site, with a SpliceAI delta score of 1.0, and strengthen an alternative donor site 11 bp downstream, with a SpliceAI delta score of 0.45. Multiple missplicing events are possible, with both in-frame and out-of-frame effects (PVS1_Moderate). This variant has been reported in a homozygous state in two unrelated patients with features consistent with LGMD and without reported familial consanguinity (ClinVar SCV002316265.4, SCV006582053.1, Jain Foundation Dysferlin Registry internal data communication, 1.0 pt; PM3). The highest population frequency of this variant is 0.00001098 in the South Asian population in gnomAD v4.1.0 (1/91090 chromosomes), which is lower than the LGMD VCEP threshold (<0.0001) for PM2_Supporting, meeting this criterion. In summary, this variant meets the criteria to be classified as Likely Pathogenic for autosomal recessive limb girdle muscular dystrophy based on the ACMG/AMP criteria applied, as specified by the ClinGen LGMD VCEP (LGMD VCEP specifications version 2.0.0; 01/08/2026): PVS1_Moderate, PM3, PP4, PM2_Supporting.

3billion
Classification: Pathogenic for Autosomal recessive limb-girdle muscular dystrophy type 2B. Last evaluated: 2024-09-13. Review status: criteria provided, single submitter. Criteria: ACMG Guidelines, 2015. Collection method: clinical testing. Allele origin: germline. Affected: yes. Not counted in ClinVar's aggregate classification.
Comment: The variant is observed at an extremely low frequency in the gnomAD v4.0.0 dataset (total allele frequency: <0.001%). Predicted Consequence/Location: Canonical splice site: predicted to alter splicing and result in a loss or disruption of normal protein function. Multiple pathogenic loss-of-function variants are reported downstream of the variant. In silico tools predict the variant to alter splicing and produce an abnormal transcript [SpliceAI: 1.00 (spliceogenicity >=0.2, non-spliceogenicity <0.1)]. The variant has been reported to be associated with DYSF related disorder (ClinVar ID: VCV001521979). Therefore, this variant is classified as Pathogenic according to the recommendation of ACMG/AMP guideline.

Labcorp Genetics (formerly Invitae), Labcorp
Classification: Pathogenic for Neuromuscular disease caused by qualitative or quantitative defects of dysferlin. Last evaluated: 2022-10-28. Review status: criteria provided, single submitter. Criteria: Invitae Variant Classification Sherloc (09022015). Collection method: clinical testing. Allele origin: germline. Not counted in ClinVar's aggregate classification.
Comment: For these reasons, this variant has been classified as Pathogenic. Algorithms developed to predict the effect of sequence changes on RNA splicing suggest that this variant may disrupt the consensus splice site. ClinVar contains an entry for this variant (Variation ID: 1521979). Disruption of this splice site has been observed in individuals with DYSF-related conditions (PMID: 33715265; Invitae). This variant is not present in population databases (gnomAD no frequency). This sequence change affects a donor splice site in intron 29 of the DYSF gene. It is expected to disrupt RNA splicing. Variants that disrupt the donor or acceptor splice site typically lead to a loss of protein function (PMID: 16199547), and loss-of-function variants in DYSF are known to be pathogenic (PMID: 17698709, 20301480).

Literature cited by the submitters: PubMed 33715265 (cited by Labcorp Genetics (formerly Invitae), Labcorp); PubMed 16199547 (cited by Labcorp Genetics (formerly Invitae), Labcorp); PubMed 17698709 (cited by Labcorp Genetics (formerly Invitae), Labcorp); PubMed 20301480 (cited by Labcorp Genetics (formerly Invitae), Labcorp).

NM_001130987.2(DYSF):c.3228+1G>C

Gene: DYSF (dysferlin; plus strand). Cytogenetic location: 2p13.2.
Variant type: single nucleotide variant.
Coding change: c.3228+1G>C on transcript NM_001130987.2 (MANE Select); the canonical splice donor site of the intron after coding-DNA position 3228, G replaced by C.
Molecular consequence: splice donor variant.
Genome position (GRCh38, 1-based): chr2:71,570,742, G>C. VCF-style: chr2-71570742-G-C. GRCh37 (hg19) VCF-style: chr2-71797872-G-C.
Other names: c.3267+1G>C (NM_001130979.2); c.3225+1G>C (NM_001130981.2, NM_001130980.2); c.3174+1G>C (NM_001130978.2, NM_003494.4); c.3132+1G>C (NM_001130977.2, NM_001130976.2); c.3270+1G>C (NM_001130982.2); c.3228+1G>C (NM_001130985.2); c.3177+1G>C (NM_001130983.2, NM_001130455.2); c.3135+1G>C (NM_001130984.2, NM_001130986.2).
Identifiers: ClinVar variation 1521979 (VCV001521979.10), dbSNP rs2092371566, ClinGen allele CA347217179.